The following is an entry in ClinVar:

ClinVar aggregate classification (germline): Uncertain significance. Review status: criteria provided, multiple submitters, no conflicts (2 of 4 stars). 4 submissions from 4 submitters: Uncertain significance (4). Last evaluated 2025-08-01.

Conditions:
Inborn genetic diseases. Identifiers: MedGen C0950123, MeSH D030342.
Xeroderma pigmentosum (XP). Identifiers: Orphanet 910, MedGen C0043346, MONDO:0019600.
Xeroderma pigmentosum, group C (XPC). Also called: Xeroderma pigmentosum, complementation group C; XERODERMA PIGMENTOSUM III; XP, GROUP C; XPC-Related Xeroderma Pigmentosum. Identifiers: Orphanet 910, MedGen C2752147, MONDO:0010211, OMIM 278720.

Allele frequency attached by ClinVar (database versions not stated): ExAC 0.00005; gnomAD exomes 0.00013; TOPMed 0.00026; 1000 Genomes Project 30x 0.00031; 1000 Genomes Project 0.00040.
gnomAD v4.1: 92 of 1,613,912 alleles (0.0057%); highest among the groups gnomAD compares: Admixed American, 0.12%; no homozygotes.

Submissions (4):

Ambry Genetics
Classification: Uncertain significance for Inborn genetic diseases. Last evaluated: 2025-08-01. Review status: criteria provided, single submitter. Criteria: Ambry Variant Classification Scheme 2023. Collection method: clinical testing. Allele origin: germline.

Sema4
Classification: Uncertain significance for Xeroderma pigmentosum. Last evaluated: 2021-08-03. Review status: criteria provided, single submitter. Criteria: Sema4 Curation Guidelines. Collection method: curation. Allele origin: germline.
Comment: The XPC c.1022C>T (p.A341V) variant has not been reported in the literature to our knowledge. It was observed in 29/34528 chromosomes of the Latino subpopulation, with no homozygotes, in the large and broad cohorts of the Genome Aggregation Database (PMID: 32461654). The variant has been reported in ClinVar (Variation ID 900926). In silico tools suggest the impact of the variant on protein function is benign, though these predictions have not been confirmed by functional studies. The evidence is insufficient to meet ACMG/AMP criteria for classifying the variant as benign or pathogenic. Thus, the clinical significance of this variant is currently uncertain.

Fulgent Genetics
Classification: Uncertain significance for Xeroderma pigmentosum, group C. Last evaluated: 2021-08-02. Review status: criteria provided, single submitter. Criteria: ACMG Guidelines, 2015. Collection method: clinical testing. Allele origin: unknown.

Illumina Laboratory Services, Illumina
Classification: Uncertain significance for Xeroderma pigmentosum, group C. Last evaluated: 2018-01-12. Review status: criteria provided, single submitter. Criteria: ICSL Variant Classification Criteria 13 December 2019. Collection method: clinical testing. Allele origin: germline.

NM_004628.5(XPC):c.1022C>T (p.Ala341Val)

Gene: XPC (XPC complex subunit, DNA damage recognition and repair factor; minus strand). Cytogenetic location: 3p25.1.
Variant type: single nucleotide variant.
Coding change: c.1022C>T on transcript NM_004628.5 (MANE Select); coding-DNA position 1022, C replaced by T.
Protein change: p.Ala341Val; replaces alanine 341 with valine.
Molecular consequence: missense variant. On other transcripts: non-coding transcript variant (2).
Genome position (GRCh38, 1-based): chr3:14,158,861, G>A on the plus strand (C>T on the coding strand, the complement: XPC is on the minus strand). VCF-style: chr3-14158861-G-A. GRCh37 (hg19) VCF-style: chr3-14200361-G-A.
Other names: c.443C>T, p.Ala148Val (NM_001354726.2); c.1022C>T, p.Ala341Val (NM_001354727.2, NM_001354730.2); c.1004C>T, p.Ala335Val (NM_001354729.2); short protein forms A148V, A335V, A341V.
Identifiers: ClinVar variation 900926 (VCV000900926.7), dbSNP rs192285219, ClinGen allele CA2267516.